The following is an entry in ClinVar:

ClinVar aggregate classification (germline): Uncertain significance (1 of 4 stars; one submission).

gnomAD v4.1: 1 of 1,151,502 alleles (0.000087%); highest among the groups gnomAD compares: African/African-American, 0.0016%; no homozygotes.

Submission:

ARUP Laboratories, Molecular Genetics and Genomics, ARUP Laboratories
Classification: Uncertain significance. Last evaluated: 2025-04-27. Review status: criteria provided, single submitter. Criteria: ARUP Molecular Germline Variant Investigation Process 2024. Collection method: clinical testing. Allele origin: germline.
Comment: The GATA6 c.733G>A; p.Gly245Arg variant, to our knowledge, is not reported in the medical literature or gene specific databases. This variant is also absent from the Genome Aggregation Database (v2.1.1), indicating it is not a common polymorphism. Additionally, another variant at this codon resulting in the same amino acid alteration, c.733G>C; p.Gly245Arg, is reported in the literature in an individual affected with persistent truncus arteriosus; however, the clinical significance of the c.733G>C variant is uncertain. Computational analyses are uncertain whether the c.733G>A variant is neutral or deleterious (REVEL: 0.677). Due to limited information, the clinical significance of the c.733G>A; p.Gly245Arg variant is uncertain at this time. References: Wang X et al. Identification of two novel GATA6 mutations in patients with nonsyndromic conotruncal heart defects. Mol Med Rep. 2014 Aug;10(2):743-8. PMID: 24841381.

NM_005257.6(GATA6):c.733G>A (p.Gly245Arg)

Gene: GATA6 (GATA binding protein 6; plus strand). Cytogenetic location: 18q11.2.
Variant type: single nucleotide variant.
Coding change: c.733G>A on transcript NM_005257.6 (MANE Select); coding-DNA position 733, G replaced by A.
Protein change: p.Gly245Arg; replaces glycine 245 with arginine.
Molecular consequence: missense variant.
Genome position (GRCh38, 1-based): chr18:22,171,877, G>A. VCF-style: chr18-22171877-G-A. GRCh37 (hg19) VCF-style: chr18-19751838-G-A.
Other names: short protein forms G245R.
Identifiers: ClinVar variation 4685778 (VCV004685778.1).